The following is an entry in ClinVar:

ClinVar aggregate classification (germline): Uncertain significance. Review status: criteria provided, multiple submitters, no conflicts (2 of 4 stars). 2 submissions from 2 submitters: Uncertain significance (2). Last evaluated 2024-10-07.

Conditions:
Hereditary cancer-predisposing syndrome. Also called: Hereditary Cancer Syndrome; Neoplastic Syndromes, Hereditary; Tumor predisposition; Hereditary neoplastic syndrome. Identifiers: Orphanet 140162, MedGen C0027672, MeSH D009386, MONDO:0015356.
Ataxia-telangiectasia syndrome (AT). Also called: Cerebello-oculocutaneous telangiectasia; Immunodeficiency with ataxia telangiectasia; Ataxia-telangiectasia, complementation group E; Ataxia-telangiectasia, complementation group D; AT, COMPLEMENTATION GROUP C; ATAXIA-TELANGIECTASIA, COMPLEMENTATION GROUP A. Identifiers: Orphanet 100, MedGen C0004135, MONDO:0008840, OMIM 208900.

Submissions (2):

Labcorp Genetics (formerly Invitae), Labcorp
Classification: Uncertain significance for Ataxia-telangiectasia syndrome. Last evaluated: 2024-10-07. Review status: criteria provided, single submitter. Criteria: Invitae Variant Classification Sherloc (09022015). Collection method: clinical testing. Allele origin: germline.
Comment: This sequence change falls in intron 47 of the ATM gene. It does not directly change the encoded amino acid sequence of the ATM protein. It affects a nucleotide within the consensus splice site. This variant is not present in population databases (gnomAD no frequency). This variant has not been reported in the literature in individuals affected with ATM-related conditions. ClinVar contains an entry for this variant (Variation ID: 578858). Variants that disrupt the consensus splice site are a relatively common cause of aberrant splicing (PMID: 17576681, 9536098). Algorithms developed to predict the effect of sequence changes on RNA splicing suggest that this variant may disrupt the consensus splice site. In summary, the available evidence is currently insufficient to determine the role of this variant in disease. Therefore, it has been classified as a Variant of Uncertain Significance.

Ambry Genetics
Classification: Uncertain significance for Hereditary cancer-predisposing syndrome. Last evaluated: 2022-09-15. Review status: criteria provided, single submitter. Criteria: Ambry Variant Classification Scheme 2023. Collection method: clinical testing. Allele origin: germline.
Comment: The c.6975+5_6975+8delGTTT intronic variant, located in intron 46 of the ATM gene, results from a deletion of 4 nucleotides within intron 46 of the ATM gene. In silico splice site analysis predicts that this alteration will weaken the native splice donor site; however, direct evidence is insufficient at this time (Ambry internal data). Since supporting evidence is limited at this time, the clinical significance of this alteration remains unclear.

Literature cited by the submitters: PubMed 17576681 (cited by Labcorp Genetics (formerly Invitae), Labcorp); PubMed 9536098 (cited by Labcorp Genetics (formerly Invitae), Labcorp).

NM_000051.4(ATM):c.6975+5_6975+8del

Genes: C11orf65 (chromosome 11 open reading frame 65; minus strand), ATM (ATM serine/threonine kinase; plus strand). Cytogenetic location: 11q22.3.
Variant type: Microsatellite.
Coding change: c.6975+5_6975+8del on transcript NM_000051.4 (MANE Select); bases 5 to 8 of the intron after coding-DNA position 6975, 4 bases deleted (GTTT; older notation c.6975+5_6975+8delGTTT).
Molecular consequence: splice donor variant. On other transcripts: intron variant (2).
Genome position (GRCh38, 1-based): chr11:108,326,230-108,326,233, GTTT deleted; deleting any 4 consecutive bases within chr11:108,326,226-108,326,233 gives the same sequence; the c. name uses the placement nearest the transcript's 3' end. VCF-style (leftmost placement, unchanged base first): chr11-108326225-GGTTT-G. GRCh37 (hg19) VCF-style: chr11-108196952-GGTTT-G.
Other names: c.6975+5_6975+8del (NM_001351834.2); c.641-17158_641-17155del (NM_001330368.2); c.*38+8991_*38+8994del (NM_001351110.2); c.6975+5_6975+8delGTTT (NM_000051.3).
Identifiers: ClinVar variation 578858 (VCV000578858.10), dbSNP rs1565521135, ClinGen allele CA891842657.